The following is an entry in ClinVar:

ClinVar aggregate classification (germline): Uncertain significance. Review status: criteria provided, multiple submitters, no conflicts (2 of 4 stars). 2 submissions from 2 submitters: Uncertain significance (2). Last evaluated 2022-08-11.

Conditions:
X-linked complex neurodevelopmental disorder. Identifiers: MedGen CN294807, MONDO:0100148.

Submissions (2):

Department of Pathology and Laboratory Medicine, Sinai Health System
Classification: Uncertain significance for X-linked complex neurodevelopmental disorder. Last evaluated: 2022-08-11. Review status: criteria provided, single submitter. Criteria: ACMG Guidelines, 2015. Collection method: research. Allele origin: germline.

CeGaT Center for Human Genetics Tuebingen
Classification: Uncertain significance. Last evaluated: 2022-07-01. Review status: criteria provided, single submitter. Criteria: CeGaT Center For Human Genetics Tuebingen Variant Classification Criteria Version 2. Collection method: clinical testing. Allele origin: germline. Affected: yes. Observed: 1 variant allele.
Comment: SLC35A2: PM2

NM_001282648.2(SLC35A2):c.19+1G>C

Gene: SLC35A2 (solute carrier family 35 member A2; minus strand). Cytogenetic location: Xp11.23.
Variant type: single nucleotide variant.
Coding change: c.19+1G>C on transcript NM_001282648.2; the canonical splice donor site of the intron after coding-DNA position 19, G replaced by C.
Molecular consequence: splice donor variant.
Genome position (GRCh38, 1-based): chrX:48,911,858, C>G on the plus strand (G>C on the coding strand, the complement: SLC35A2 is on the minus strand). VCF-style: chrX-48911858-C-G. GRCh37 (hg19) VCF-style: chrX-48769135-C-G.
Identifiers: ClinVar variation 1701599 (VCV001701599.29), dbSNP rs1557044209, ClinGen allele CA412899049.
Genomic context (GRCh38, chrX:48,911,858, plus strand): 5'-CGGGATTTCCAAATTCCGTCGGATCGGGAGGCCGGGGACACGGCCCGATCGGCCTACCCA[C>G]CATCCCTACAGAGCTTCATCGGCCCATTCCTGTCACTAGACCCGCCTTATCCTGCCGTTC-3'